The following is an entry in ClinVar:

ClinVar aggregate classification (germline): Uncertain significance (1 of 4 stars; one submission).

Allele frequency attached by ClinVar (database versions not stated): gnomAD exomes below 0.00001; gnomAD 0.00001; TOPMed 0.00001.
gnomAD v4.1: 3 of 1,614,098 alleles (0.00019%); highest among the groups gnomAD compares: Admixed American, 0.0017%; no homozygotes.

Submission:

Labcorp Genetics (formerly Invitae), Labcorp
Classification: Uncertain significance. Last evaluated: 2023-10-05. Review status: criteria provided, single submitter. Criteria: Invitae Variant Classification Sherloc (09022015). Collection method: clinical testing. Allele origin: germline.
Comment: This sequence change replaces alanine, which is neutral and non-polar, with valine, which is neutral and non-polar, at codon 500 of the ACO2 protein (p.Ala500Val). This variant is present in population databases (no rsID available, gnomAD 0.002%). This variant has not been reported in the literature in individuals affected with ACO2-related conditions. Advanced modeling of protein sequence and biophysical properties (such as structural, functional, and spatial information, amino acid conservation, physicochemical variation, residue mobility, and thermodynamic stability) performed at Invitae indicates that this missense variant is not expected to disrupt ACO2 protein function. In summary, the available evidence is currently insufficient to determine the role of this variant in disease. Therefore, it has been classified as a Variant of Uncertain Significance.

NM_001098.3(ACO2):c.1499C>T (p.Ala500Val)

Gene: ACO2 (aconitase 2; plus strand). Cytogenetic location: 22q13.2.
Variant type: single nucleotide variant.
Coding change: c.1499C>T on transcript NM_001098.3 (MANE Select); coding-DNA position 1499, C replaced by T.
Protein change: p.Ala500Val; replaces alanine 500 with valine.
Molecular consequence: missense variant.
Genome position (GRCh38, 1-based): chr22:41,524,862, C>T. VCF-style: chr22-41524862-C-T. GRCh37 (hg19) VCF-style: chr22-41920866-C-T.
Other names: short protein forms A500V.
Identifiers: ClinVar variation 2869940 (VCV002869940.3), dbSNP rs1321242299, ClinGen allele CA411727296.
Genomic context (GRCh38, chr22:41,524,862, plus strand): 5'-GTGGCAATTGGTGCTGACCAACAAACTGGCCACCTCCATTTCAGATTGTCACAGCCCTGG[C>T]CATTGCGGGAACCCTCAAGTTCAACCCAGAGACCGACTACCTGACGGGCACGGATGGCAA-3'
Protein context (NP_001089.1, residues 490-510): VTSPEIVTAL[Ala500Val]IAGTLKFNPE